The following is an entry in ClinVar:

GRCh38/hg38 Xq13.3(chrX:75243922-75431414)x2

Genes: UPRT (uracil phosphoribosyltransferase homolog; plus strand), ZDHHC15 (zinc finger DHHC-type palmitoyltransferase 15; minus strand), LOC130068450 (ATAC-STARR-seq lymphoblastoid active region 29771; plus strand), LOC130068451 (ATAC-STARR-seq lymphoblastoid active region 29772; plus strand), LOC130068452 (ATAC-STARR-seq lymphoblastoid active region 29773; plus strand). Cytogenetic location: Xq13.3.
Variant type: copy number gain.
Change: copy number 2 of chrX:75,243,922-75,431,414 (187.5 kb, GRCh38 coordinates, 1-based), cytogenetic band Xq13.3.
Identifiers: ClinVar variation 149868 (VCV000149868.2).

ClinVar aggregate classification (germline): conflicting data from submitters (0 of 4 stars; one submission).

Submission:

ISCA site 1
Classification: conflicting data from submitters. Last evaluated: 2012-11-27. Review status: no assertion criteria provided. Collection method: clinical testing. Allele origin: maternal, unknown. Affected: yes. Observed: 4 variant alleles. Clinical features observed: Delayed speech and language development (HP:0000750), Global developmental delay (HP:0001263), Developmental delay AND/OR other significant developmental or morphological phenotypes, Moyamoya phenomenon (HP:0011834).
Comment: Uncertain significance(3), Likely benign (1)

Copy number variation identified through the course of routine clinical cytogenomic testing in postnatal populations, with clinical assertions as classified by the original submitter. For data from the original published study, Kaminsky, et al. 2011 (PubMed 21844811), please see nstd101.